The following is an entry in ClinVar:

NM_023077.3(COA7):c.113A>G (p.Tyr38Cys)

Gene: COA7 (cytochrome c oxidase assembly factor 7; minus strand). Cytogenetic location: 1p32.3.
Variant type: single nucleotide variant.
Coding change: c.113A>G on transcript NM_023077.3 (MANE Select); coding-DNA position 113, A replaced by G.
Protein change: p.Tyr38Cys; replaces tyrosine 38 with cysteine.
Molecular consequence: missense variant.
Genome position (GRCh38, 1-based): chr1:52,692,861, T>C on the plus strand (A>G on the coding strand, the complement: COA7 is on the minus strand). VCF-style: chr1-52692861-T-C. GRCh37 (hg19) VCF-style: chr1-53158533-T-C.
Other names: short protein forms Y38C.
Identifiers: ClinVar variation 1030824 (VCV001030824.4), dbSNP rs753445023, ClinGen allele CA855738.
Genomic context (GRCh38, chr1:52,692,861, plus strand): 5'-AACACCTTGGCAGCCTCATCAAAATTCTTCCGGATCCCTTCCAAATAGTCCACCAGCCGA[T>C]AGCAACCTGCGAGAAGAGGGCAAGGGTTGTTCTTCATGTCTGGGGCTGCTGCTCGCAGTG-3'
Protein context (NP_075565.2, residues 28-48): CYHEKDPDGC[Tyr38Cys]RLVDYLEGIR

ClinVar aggregate classification (germline): Uncertain significance. Review status: criteria provided, multiple submitters, no conflicts (2 of 4 stars). 2 submissions from 2 submitters: Uncertain significance (2). Last evaluated 2024-12-03.

Conditions:
Spinocerebellar ataxia, autosomal recessive, with axonal neuropathy 3 (SCAN3). Identifiers: MedGen C5193070, MONDO:0020770, OMIM 618387.

Allele frequency attached by ClinVar (database versions not stated): TOPMed 0.00002; gnomAD 0.00009 and 0.00010; ExAC 0.00011; gnomAD exomes 0.00012.
gnomAD v4.1: 80 of 1,614,036 alleles (0.005%); highest among the groups gnomAD compares: East Asian, 0.0045%; 1 homozygote.

Submissions (2):

Labcorp Genetics (formerly Invitae), Labcorp
Classification: Uncertain significance. Last evaluated: 2024-12-03. Review status: criteria provided, single submitter. Criteria: Invitae Variant Classification Sherloc (09022015). Collection method: clinical testing. Allele origin: germline.
Comment: This sequence change replaces tyrosine, which is neutral and polar, with cysteine, which is neutral and slightly polar, at codon 38 of the COA7 protein (p.Tyr38Cys). This variant is present in population databases (rs753445023, gnomAD 0.1%). This variant has not been reported in the literature in individuals affected with COA7-related conditions. ClinVar contains an entry for this variant (Variation ID: 1030824). An algorithm developed to predict the effect of missense changes on protein structure and function (PolyPhen-2) suggests that this variant¬†is likely to be tolerated. In summary, the available evidence is currently insufficient to determine the role of this variant in disease. Therefore, it has been classified as a Variant of Uncertain Significance.

Baylor Genetics
Classification: Uncertain significance for Spinocerebellar ataxia, autosomal recessive, with axonal neuropathy 3. Last evaluated: 2020-08-12. Review status: criteria provided, single submitter. Criteria: ACMG Guidelines, 2015. Collection method: clinical testing. Allele origin: unknown. Affected: yes.
Comment: This variant was determined to be of uncertain significance according to ACMG Guidelines, 2015 [PMID:25741868].